The following is an entry in ClinVar:

NM_001349798.2(FBXW7):c.147G>A (p.Glu49=)

Gene: FBXW7 (F-box and WD repeat domain containing 7; minus strand). Cytogenetic location: 4q31.3.
Variant type: single nucleotide variant.
Coding change: c.147G>A on transcript NM_001349798.2 (MANE Select); coding-DNA position 147, G replaced by A.
Protein change: p.Glu49=; no amino-acid change (glutamic acid 49 retained).
Molecular consequence: synonymous variant.
Genome position (GRCh38, 1-based): chr4:152,411,657, C>T on the plus strand (G>A on the coding strand, the complement: FBXW7 is on the minus strand). VCF-style: chr4-152411657-C-T. GRCh37 (hg19) VCF-style: chr4-153332809-C-T.
Other names: c.147G>A, p.Glu49= (NM_001257069.1, NM_033632.3).
Identifiers: ClinVar variation 3053778 (VCV003053778.5), dbSNP rs143775134, ClinGen allele CA3106570.
Genomic context (GRCh38, chr4:152,411,657, plus strand): 5'-TTGGCCTCCAGGTCTAGGTTCTACTCCAACAACTTCACCATTCCTTGCAGTGTGCTCCTC[C>T]TCTTGTTGTCTGAGTTGCTGTTGCTGTTCCTCCTCTACCACACGATTCATCTGTTCTTCA-3'
Protein context (NP_001336727.1, residues 39-59): EEQQQQLRQQ[Glu49=]EEHTARNGEV

ClinVar aggregate classification (germline): Benign/Likely benign. Review status: criteria provided, multiple submitters, no conflicts (2 of 4 stars). 3 submissions from 3 submitters: Benign (1); Likely benign (1). 1 of the submissions does not count toward it. Last evaluated 2025-08-28.

Conditions:
FBXW7-related disorder. Also called: FBXW7-related condition; FBXW7-related disorders.

Allele frequency attached by ClinVar (database versions not stated): gnomAD exomes 0.00020; ExAC 0.00064; 1000 Genomes Project 0.00140; 1000 Genomes Project 30x 0.00156; ESP Exome Variant Server 0.00177; gnomAD 0.00202; TOPMed 0.00243.
gnomAD v4.1: 594 of 1,613,966 alleles (0.037%); highest among the groups gnomAD compares: African/African-American, 0.75%; 1 homozygote.

Submissions (3):

Labcorp Genetics (formerly Invitae), Labcorp
Classification: Benign. Last evaluated: 2025-08-28. Review status: criteria provided, single submitter. Criteria: Invitae Variant Classification Sherloc (09022015). Collection method: clinical testing. Allele origin: germline.

Blueprint Genetics
Classification: Likely benign. Last evaluated: 2024-07-19. Review status: criteria provided, single submitter. Criteria: ACMG Guidelines, 2015. Collection method: clinical testing. Allele origin: germline.

PreventionGenetics, part of Exact Sciences
Classification: Likely benign for FBXW7-related condition. Last evaluated: 2019-11-12. Review status: no assertion criteria provided. Collection method: clinical testing. Allele origin: germline. Not counted in ClinVar's aggregate classification.
Comment: This variant is classified as likely benign based on ACMG/AMP sequence variant interpretation guidelines (Richards et al. 2015 PMID: 25741868, with internal and published modifications).